The following is an entry in ClinVar:

NM_016616.5(NME8):c.774C>T (p.Val258=)

Gene: NME8 (NME/NM23 family member 8; plus strand). Cytogenetic location: 7p14.1.
Variant type: single nucleotide variant.
Coding change: c.774C>T on transcript NM_016616.5 (MANE Select); coding-DNA position 774, C replaced by T.
Protein change: p.Val258=; no amino-acid change (valine 258 retained).
Molecular consequence: synonymous variant.
Genome position (GRCh38, 1-based): chr7:37,867,854, C>T. VCF-style: chr7-37867854-C-T. GRCh37 (hg19) VCF-style: chr7-37907456-C-T.
Identifiers: ClinVar variation 517333 (VCV000517333.7), dbSNP rs764505957, ClinGen allele CA4222336.
Genomic context (GRCh38, chr7:37,867,854, plus strand): 5'-AGAAACCGAACCACAGACTGACACCGAACCTAACGAACGATCTGAGGATCAACCTGAGGT[C>T]GAAGCCCAGGTTACACCTGGAATGATGAAGAACAAACAAGACAGGTATAGCTCAAGACCA-3'
Protein context (NP_057700.3, residues 248-268): PNERSEDQPE[Val258=]EAQVTPGMMK

ClinVar aggregate classification (germline): Likely benign. Review status: criteria provided, multiple submitters, no conflicts (2 of 4 stars). 3 submissions from 3 submitters: Likely benign (3). Last evaluated 2025-05-11.

Conditions:
Primary ciliary dyskinesia 6. Also called: Primary Ciliary Dyskinesia 6: TXNDC3-Related Primary Ciliary Dyskinesia. Identifiers: Orphanet 244, MedGen C1970506, MONDO:0012571, OMIM 610852.

Allele frequency attached by ClinVar (database versions not stated): ExAC 0.00001; gnomAD 0.00001; gnomAD exomes 0.00002; TOPMed 0.00004.

Submissions (3):

Labcorp Genetics (formerly Invitae), Labcorp
Classification: Likely benign for Primary ciliary dyskinesia 6. Last evaluated: 2025-05-11. Review status: criteria provided, single submitter. Criteria: Invitae Variant Classification Sherloc (09022015). Collection method: clinical testing. Allele origin: germline.

Blueprint Genetics
Classification: Likely benign. Last evaluated: 2024-09-19. Review status: criteria provided, single submitter. Criteria: ACMG Guidelines, 2015. Collection method: clinical testing. Allele origin: germline.

Laboratory for Molecular Medicine, Mass General Brigham Personalized Medicine
Classification: Likely benign. Last evaluated: 2017-03-13. Review status: criteria provided, single submitter. Criteria: LMM Criteria. Collection method: clinical testing. Allele origin: germline. Observed: 1 variant allele.
Comment: p.Val258Val in exon 11 of NME8: This variant is not expected to have clinical si gnificance because it does not alter an amino acid residue and is not located wi thin the splice consensus sequence. It has been identified in 1/6584 Finnish chr omosomes by the Exome Aggregation Consortium (ExAC, rg; dbSNP rs764505957).